The following is an entry in ClinVar:

NM_006030.4(CACNA2D2):c.2401+3G>A

Genes: CACNA2D2 (calcium voltage-gated channel auxiliary subunit alpha2delta 2; minus strand), LOC101928965 (uncharacterized LOC101928965; plus strand), LOC127898564 (CYB561D2-LOC101928965; plus strand). Cytogenetic location: 3p21.31.
Variant type: single nucleotide variant.
Coding change: c.2401+3G>A on transcript NM_006030.4 (MANE Select); 3 bases into the intron after coding-DNA position 2401, G replaced by A.
Molecular consequence: intron variant.
Genome position (GRCh38, 1-based): chr3:50,367,391, C>T on the plus strand (G>A on the coding strand, the complement: CACNA2D2 is on the minus strand). VCF-style: chr3-50367391-C-T. GRCh37 (hg19) VCF-style: chr3-50404822-C-T.
Other names: c.2194+3G>A (NM_001291101.1); c.2401+3G>A (NM_001005505.3); c.2422+3G>A (NM_001174051.3).
Identifiers: ClinVar variation 2109586 (VCV002109586.4), dbSNP rs2470987884, ClinGen allele CA2580070214.
Genomic context (GRCh38, chr3:50,367,391, plus strand): 5'-GCTGAGCAGACAGGGAAGCTGAGGCTCCCTGCCTGCTGCTGGGCACACTGCGGGGACACT[C>T]ACCATCCTGGTGTGGGGGCTTGAAGACATAACCGTGGTTATCCAGGCTGCGGCGGTAGAA-3'

ClinVar aggregate classification (germline): Uncertain significance (1 of 4 stars; one submission).

Conditions:
Early-infantile DEE. Also called: Early infantile epileptic encephalopathy; Early infantile epileptic encephalopathy with suppression bursts; Ohtahara syndrome. Identifiers: Orphanet 1934, MedGen C0393706, MONDO:0800491.

Submission:

Labcorp Genetics (formerly Invitae), Labcorp
Classification: Uncertain significance for Early-infantile DEE. Last evaluated: 2022-06-28. Review status: criteria provided, single submitter. Criteria: Invitae Variant Classification Sherloc (09022015). Collection method: clinical testing. Allele origin: germline.
Comment: This variant has not been reported in the literature in individuals affected with CACNA2D2-related conditions. In summary, the available evidence is currently insufficient to determine the role of this variant in disease. Therefore, it has been classified as a Variant of Uncertain Significance. Variants that disrupt the consensus splice site are a relatively common cause of aberrant splicing (PMID: 17576681, 9536098). Algorithms developed to predict the effect of sequence changes on RNA splicing suggest that this variant is not likely to affect RNA splicing. This variant is not present in population databases (gnomAD no frequency). This sequence change falls in intron 27 of the CACNA2D2 gene. It does not directly change the encoded amino acid sequence of the CACNA2D2 protein. It affects a nucleotide within the consensus splice site.

Literature cited by the submitters: PubMed 17576681; PubMed 9536098.